The following continues an entry in ClinVar:

NM_003072.5(SMARCA4):c.2729C>T (p.Thr910Met)

Gene: SMARCA4. ClinVar aggregate classification (germline): Uncertain significance. Uncertain significance (2). ClinVar aggregate classification (somatic clinical impact): Tier I - Strong. ClinVar aggregate classification (oncogenicity): Oncogenic.

Submissions 9 to 10 of 10:

Labcorp Genetics (formerly Invitae), Labcorp
Classification: Uncertain significance for Rhabdoid tumor predisposition syndrome 2. Last evaluated: 2023-02-20. Review status: criteria provided, single submitter. Criteria: Invitae Variant Classification Sherloc (09022015). Collection method: clinical testing. Allele origin: germline.
Comment: In summary, the available evidence is currently insufficient to determine the role of this variant in disease. Therefore, it has been classified as a Variant of Uncertain Significance. Experimental studies have shown that this missense change affects SMARCA4 function (PMID: 23698369, 26842758). Advanced modeling of protein sequence and biophysical properties (such as structural, functional, and spatial information, amino acid conservation, physicochemical variation, residue mobility, and thermodynamic stability) performed at Invitae indicates that this missense variant is expected to disrupt SMARCA4 protein function. ClinVar contains an entry for this variant (Variation ID: 438790). This variant has not been reported in the literature in individuals affected with SMARCA4-related conditions. This variant is not present in population databases (gnomAD no frequency). This sequence change replaces threonine, which is neutral and polar, with methionine, which is neutral and non-polar, at codon 910 of the SMARCA4 protein (p.Thr910Met).

Donald Williams Parsons Laboratory, Baylor College of Medicine
Classification: other for MEDULLOBLASTOMA. Last evaluated: 2016-05-01. Review status: no assertion criteria provided. Collection method: clinical testing. Allele origin: somatic. Inheritance: Somatic mutation. Affected: yes. Study: CSER-BASIC3. Not counted in ClinVar's aggregate classification.

Literature cited by the submitters: PubMed 33144586 (cited by Institute for Genomic Medicine (IGM) Clinical Laboratory, Nationwide Children's Hospital); PubMed 28726821 (cited by Institute for Genomic Medicine (IGM) Clinical Laboratory, Nationwide Children's Hospital); PubMed 22722829 (cited by Institute for Genomic Medicine (IGM) Clinical Laboratory, Nationwide Children's Hospital); PubMed 33741928 (cited by Institute for Genomic Medicine (IGM) Clinical Laboratory, Nationwide Children's Hospital); PubMed 21163964 (cited by Institute for Genomic Medicine (IGM) Clinical Laboratory, Nationwide Children's Hospital); PubMed 22832583 (cited by Institute for Genomic Medicine (IGM) Clinical Laboratory, Nationwide Children's Hospital); PubMed 22820256 (cited by Institute for Genomic Medicine (IGM) Clinical Laboratory, Nationwide Children's Hospital); PubMed 31018240 (cited by Institute for Genomic Medicine (IGM) Clinical Laboratory, Nationwide Children's Hospital); PubMed 33056981 (cited by Institute for Genomic Medicine (IGM) Clinical Laboratory, Nationwide Children's Hospital); PubMed 29992558 (cited by Institute for Genomic Medicine (IGM) Clinical Laboratory, Nationwide Children's Hospital); PubMed 36813544 (cited by Institute for Genomic Medicine (IGM) Clinical Laboratory, Nationwide Children's Hospital); PubMed 26842758 (cited by Institute for Genomic Medicine (IGM) Clinical Laboratory, Nationwide Children's Hospital and Labcorp Genetics (formerly Invitae), Labcorp); PubMed 30858614 (cited by Institute for Genomic Medicine (IGM) Clinical Laboratory, Nationwide Children's Hospital); PubMed 31996670 (cited by Institute for Genomic Medicine (IGM) Clinical Laboratory, Nationwide Children's Hospital); PubMed 27579614 (cited by Institute for Genomic Medicine (IGM) Clinical Laboratory, Nationwide Children's Hospital); PubMed 24336570 (cited by Institute for Genomic Medicine (IGM) Clinical Laboratory, Nationwide Children's Hospital); PubMed 23276717 (cited by Institute for Genomic Medicine (IGM) Clinical Laboratory, Nationwide Children's Hospital); PubMed 37328659 (cited by Institute for Genomic Medicine (IGM) Clinical Laboratory, Nationwide Children's Hospital); PubMed 23432644 (cited by Institute for Genomic Medicine (IGM) Clinical Laboratory, Nationwide Children's Hospital); PubMed 23698369 (cited by Institute for Genomic Medicine (IGM) Clinical Laboratory, Nationwide Children's Hospital and Labcorp Genetics (formerly Invitae), Labcorp); PubMed 33960520 (cited by Institute for Genomic Medicine (IGM) Clinical Laboratory, Nationwide Children's Hospital); PubMed 26822237 (cited by Donald Williams Parsons Laboratory, Baylor College of Medicine).